The following is an entry in ClinVar:

NM_007373.4(SHOC2):c.73G>C (p.Glu25Gln)

Gene: SHOC2 (SHOC2 leucine rich repeat scaffold protein; plus strand). Cytogenetic location: 10q25.2.
Variant type: single nucleotide variant.
Coding change: c.73G>C on transcript NM_007373.4 (MANE Select); coding-DNA position 73, G replaced by C.
Protein change: p.Glu25Gln; replaces glutamic acid 25 with glutamine.
Molecular consequence: missense variant.
Genome position (GRCh38, 1-based): chr10:110,964,431, G>C. VCF-style: chr10-110964431-G-C. GRCh37 (hg19) VCF-style: chr10-112724189-G-C.
Other names: c.73G>C, p.Glu25Gln (NM_001269039.3, NM_001324336.2, NM_001324337.2); short protein forms E25Q.
Identifiers: ClinVar variation 2446233 (VCV002446233.1), dbSNP rs2493838036, ClinGen allele CA378380960.
Genomic context (GRCh38, chr10:110,964,431, plus strand): 5'-TTAGGAAAAGAAAAAGACTCTAAAGAAAAAGATCCCAAAGTACCATCAGCCAAGGAAAGA[G>C]AAAAGGAGGCAAAAGCCTCTGGAGGTTTTGGGAAAGAGAGCAAAGAAAAAGAACCTAAGA-3'
Protein context (NP_031399.2, residues 15-35): DPKVPSAKER[Glu25Gln]KEAKASGGFG

ClinVar aggregate classification (germline): Uncertain significance (1 of 4 stars; one submission).

Allele frequency attached by ClinVar (database versions not stated): gnomAD exomes below 0.00001.
gnomAD v4.1: 1 of 1,613,304 alleles (0.000062%); highest among the groups gnomAD compares: African/African-American, 0.0013%; no homozygotes.

Submission:

GeneDx
Classification: Uncertain significance. Last evaluated: 2022-09-22. Review status: criteria provided, single submitter. Criteria: GeneDx Variant Classification Process June 2021. Collection method: clinical testing. Allele origin: germline. Affected: yes.
Comment: Not observed at significant frequency in large population cohorts (gnomAD); In silico analysis supports that this missense variant does not alter protein structure/function; Has not been previously published as pathogenic or benign to our knowledge; This variant is associated with the following publications: (PMID: 29493581)